The following is an entry in ClinVar:

NM_001330078.2(NRXN1):c.3911G>A (p.Gly1304Asp)

Gene: NRXN1 (neurexin 1; minus strand). Cytogenetic location: 2p16.3.
Variant type: single nucleotide variant.
Coding change: c.3911G>A on transcript NM_001330078.2 (MANE Select); coding-DNA position 3911, G replaced by A.
Protein change: p.Gly1304Asp; replaces glycine 1304 with aspartic acid.
Molecular consequence: missense variant.
Genome position (GRCh38, 1-based): chr2:50,053,488, C>T on the plus strand (G>A on the coding strand, the complement: NRXN1 is on the minus strand). VCF-style: chr2-50053488-C-T. GRCh37 (hg19) VCF-style: chr2-50280626-C-T.
Other names: c.4031G>A, p.Gly1344Asp (NM_001135659.3); c.3887G>A, p.Gly1296Asp (NM_001330077.2, NM_001330082.2); c.3755G>A, p.Gly1252Asp (NM_001330083.2); c.3845G>A, p.Gly1282Asp (NM_001330084.2); c.3884G>A, p.Gly1295Asp (NM_001330085.2); c.3911G>A, p.Gly1304Asp (NM_001330086.2); c.3710G>A, p.Gly1237Asp (NM_001330087.2, NM_001330096.2); c.3740G>A, p.Gly1247Asp (NM_001330088.2); and 6 more; short protein forms G1237D, G1247D, G1282D, G1303D, G269D, G1296D, G1300D, G1344D.
Identifiers: ClinVar variation 2038169 (VCV002038169.4), dbSNP rs2467636316, ClinGen allele CA346819782.

ClinVar aggregate classification (germline): Uncertain significance (1 of 4 stars; one submission).

Conditions:
Pitt-Hopkins-like syndrome 2 (PTHSL2). Identifiers: Orphanet 221150, Orphanet 600663, MedGen C3280479, MONDO:0013690, OMIM 614325.

Submission:

Labcorp Genetics (formerly Invitae), Labcorp
Classification: Uncertain significance for Pitt-Hopkins-like syndrome 2. Last evaluated: 2024-01-02. Review status: criteria provided, single submitter. Criteria: Invitae Variant Classification Sherloc (09022015). Collection method: clinical testing. Allele origin: germline.
Comment: This sequence change replaces glycine, which is neutral and non-polar, with aspartic acid, which is acidic and polar, at codon 1344 of the NRXN1 protein (p.Gly1344Asp). This variant is not present in population databases (gnomAD no frequency). This variant has not been reported in the literature in individuals affected with NRXN1-related conditions. ClinVar contains an entry for this variant (Variation ID: 2038169). Advanced modeling of protein sequence and biophysical properties (such as structural, functional, and spatial information, amino acid conservation, physicochemical variation, residue mobility, and thermodynamic stability) performed at Invitae indicates that this missense variant is not expected to disrupt NRXN1 protein function with a negative predictive value of 80%. In summary, the available evidence is currently insufficient to determine the role of this variant in disease. Therefore, it has been classified as a Variant of Uncertain Significance.